The following is an entry in ClinVar:

NM_001354930.2(RIPK1):c.1406A>G (p.Tyr469Cys)

Gene: RIPK1 (receptor interacting serine/threonine kinase 1; plus strand). Cytogenetic location: 6p25.2.
Variant type: single nucleotide variant.
Coding change: c.1406A>G on transcript NM_001354930.2 (MANE Select); coding-DNA position 1406, A replaced by G.
Protein change: p.Tyr469Cys; replaces tyrosine 469 with cysteine.
Molecular consequence: missense variant.
Genome position (GRCh38, 1-based): chr6:3,105,881, A>G. VCF-style: chr6-3105881-A-G. GRCh37 (hg19) VCF-style: chr6-3106115-A-G.
Other names: c.1406A>G (NM_003804.3); c.917A>G, p.Tyr306Cys (NM_001317061.3, NM_001354932.2, NM_001354933.2 and 1 more transcripts); c.1268A>G, p.Tyr423Cys (NM_001354931.2); c.1406A>G, p.Tyr469Cys (NM_003804.6); short protein forms Y306C, Y423C, Y469C.
Identifiers: ClinVar variation 1375832 (VCV001375832.7), dbSNP rs377213073, ClinGen allele CA3618422.

ClinVar aggregate classification (germline): Uncertain significance. Review status: criteria provided, multiple submitters, no conflicts (2 of 4 stars). 2 submissions from 2 submitters: Uncertain significance (2). Last evaluated 2025-10-18.

Conditions:
Inborn genetic diseases. Identifiers: MedGen C0950123, MeSH D030342.

Allele frequency attached by ClinVar (database versions not stated): ExAC 0.00002; gnomAD exomes 0.00002 and 0.00003; ESP Exome Variant Server 0.00008; gnomAD 0.00009; TOPMed 0.00010.
gnomAD v4.1: 38 of 1,614,050 alleles (0.0024%); highest among the groups gnomAD compares: African/African-American, 0.036%; no homozygotes.

Submissions (2):

Labcorp Genetics (formerly Invitae), Labcorp
Classification: Uncertain significance. Last evaluated: 2025-10-18. Review status: criteria provided, single submitter. Criteria: Invitae Variant Classification Sherloc (09022015). Collection method: clinical testing. Allele origin: germline.
Comment: This sequence change replaces tyrosine, which is neutral and polar, with cysteine, which is neutral and slightly polar, at codon 469 of the RIPK1 protein (p.Tyr469Cys). This variant is present in population databases (rs377213073, gnomAD 0.02%). This variant has not been reported in the literature in individuals affected with RIPK1-related conditions. ClinVar contains an entry for this variant (Variation ID: 1375832). An algorithm developed to predict the effect of missense changes on protein structure and function outputs the following: PolyPhen-2: "Benign". The cysteine amino acid residue is found in multiple mammalian species, which suggests that this missense change does not adversely affect protein function. In summary, the available evidence is currently insufficient to determine the role of this variant in disease. Therefore, it has been classified as a Variant of Uncertain Significance.

Ambry Genetics
Classification: Uncertain significance for Inborn genetic diseases. Last evaluated: 2025-01-28. Review status: criteria provided, single submitter. Criteria: Ambry Variant Classification Scheme 2023. Collection method: clinical testing. Allele origin: germline.